The following is an entry in ClinVar:

ClinVar aggregate classification (germline): Uncertain significance (1 of 4 stars; one submission).

Conditions:
Congenital muscular dystrophy due to integrin alpha-7 deficiency. Also called: MYOPATHY, CONGENITAL, DUE TO INTEGRIN ALPHA-7 DEFICIENCY; Congenital muscular dystrophy with integrin alpha-7 deficiency; Muscular dystrophy, congenital, due to ITGA7 deficiency. Identifiers: Orphanet 34520, MedGen C2750786, MONDO:0013177, OMIM 613204.

Submission:

Labcorp Genetics (formerly Invitae), Labcorp
Classification: Uncertain significance for Congenital muscular dystrophy due to integrin alpha-7 deficiency. Last evaluated: 2025-12-10. Review status: criteria provided, single submitter. Criteria: Invitae Variant Classification Sherloc (09022015). Collection method: clinical testing. Allele origin: germline.
Comment: This variant, c.3156_3170dup, results in the insertion of 5 amino acid(s) of the ITGA7 protein (p.Ala1053_Leu1057dup), but otherwise preserves the integrity of the reading frame. This variant is not present in population databases (gnomAD no frequency). This variant has not been reported in the literature in individuals affected with ITGA7-related conditions. In summary, the available evidence is currently insufficient to determine the role of this variant in disease. Therefore, it has been classified as a Variant of Uncertain Significance.

NM_002206.3(ITGA7):c.3156_3170dup (p.Leu1057_Leu1058insAlaLeuLeuValLeu)

Gene: ITGA7 (integrin subunit alpha 7; minus strand). Cytogenetic location: 12q13.2.
Variant type: Duplication.
Coding change: c.3156_3170dup on transcript NM_002206.3 (MANE Select); coding-DNA positions 3156 to 3170, 15 bases duplicated (AGCACTGCTGGTGCT).
Protein change: p.Leu1057_Leu1058insAlaLeuLeuValLeu.
Molecular consequence: inframe insertion.
Genome position (GRCh38, 1-based): chr12:55,687,984-55,687,998, AGCACCAGCAGTGCT duplicated on the plus strand (AGCACTGCTGGTGCT on the coding strand, the reverse complement: ITGA7 is on the minus strand); duplicating any 15 consecutive bases within chr12:55,687,984-55,688,009 gives the same sequence; the c. name uses the placement nearest the transcript's 3' end. VCF-style (leftmost placement, unchanged base first): chr12-55687983-C-CAGCACCAGCAGTGCT. GRCh37 (hg19) VCF-style: chr12-56081767-C-CAGCACCAGCAGTGCT.
Other names: c.3081_3095dup, p.Leu1032_Leu1033insAlaLeuLeuValLeu (NM_001414030.1); c.3069_3083dup, p.Leu1028_Leu1029insAlaLeuLeuValLeu (NM_001414031.1); c.3036_3050dup, p.Leu1017_Leu1018insAlaLeuLeuValLeu (NM_001414032.1); c.2973_2987dup, p.Leu996_Leu997insAlaLeuLeuValLeu (NM_001414033.1); c.2931_2945dup, p.Leu982_Leu983insAlaLeuLeuValLeu (NM_001414034.1); c.2817_2831dup, p.Leu944_Leu945insAlaLeuLeuValLeu (NM_001414035.1); c.3168_3182dup, p.Leu1061_Leu1062insAlaLeuLeuValLeu (NM_001144996.2); c.2877_2891dup, p.Leu964_Leu965insAlaLeuLeuValLeu (NM_001144997.2); and 5 more.
Identifiers: ClinVar variation 4732895 (VCV004732895.1).
Genomic context (GRCh38, chr12:55,687,983, plus strand): 5'-CACCCAACCAGGAAGTCCACCCCCATCAGCCCCACCTCCAAGCCTCACCTTCCACAGGAG[C>CAGCACCAGCAGTGCT]AGCACCAGCAGTGCTAGCACCAGCAGCCCAGCCAGTACAGCCAGGAGGATGACCCACCAG-3'